The following is an entry in ClinVar:

ClinVar aggregate classification (germline): Benign. Review status: criteria provided, multiple submitters, no conflicts (2 of 4 stars). 3 submissions from 3 submitters: Benign (2). 1 of the submissions does not count toward it. Last evaluated 2018-11-15.

Conditions:
CARD10-related disorder. Also called: CARD10-related condition.

Allele frequency attached by ClinVar (database versions not stated): gnomAD exomes 0.00088 and 0.00223; ExAC 0.00555; 1000 Genomes Project 0.00659; 1000 Genomes Project 30x 0.00718; gnomAD 0.00793 and 0.00865; ESP Exome Variant Server 0.00827; TOPMed 0.00937.
gnomAD v4.1: 2,521 of 1,562,728 alleles (0.16%); highest among the groups gnomAD compares: African/African-American, 2.8%; 40 homozygotes.

Submissions (3):

Labcorp Genetics (formerly Invitae), Labcorp
Classification: Benign. Last evaluated: 2018-11-15. Review status: criteria provided, single submitter. Criteria: Invitae Variant Classification Sherloc (09022015). Collection method: clinical testing. Allele origin: germline.

Breakthrough Genomics
Classification: Benign. Review status: criteria provided, single submitter. Criteria: ACMG Guidelines, 2015. Collection method: not provided. Allele origin: germline. Inheritance: Autosomal recessive inheritance. Affected: yes.

PreventionGenetics, part of Exact Sciences
Classification: Benign for CARD10-related condition. Last evaluated: 2019-06-04. Review status: no assertion criteria provided. Collection method: clinical testing. Allele origin: germline. Not counted in ClinVar's aggregate classification.
Comment: This variant is classified as benign based on ACMG/AMP sequence variant interpretation guidelines (Richards et al. 2015 PMID: 25741868, with internal and published modifications).

NM_014550.4(CARD10):c.1541A>G (p.Lys514Arg)

Gene: CARD10 (caspase recruitment domain family member 10; minus strand). Cytogenetic location: 22q13.1.
Variant type: single nucleotide variant.
Coding change: c.1541A>G on transcript NM_014550.4 (MANE Select); coding-DNA position 1541, A replaced by G.
Protein change: p.Lys514Arg; replaces lysine 514 with arginine.
Molecular consequence: missense variant.
Genome position (GRCh38, 1-based): chr22:37,504,279, T>C on the plus strand (A>G on the coding strand, the complement: CARD10 is on the minus strand). VCF-style: chr22-37504279-T-C. GRCh37 (hg19) VCF-style: chr22-37900286-T-C.
Other names: short protein forms K514R.
Identifiers: ClinVar variation 711084 (VCV000711084.6), dbSNP rs61752257, ClinGen allele CA10219807.